The following is an entry in ClinVar:

NM_001375524.1(TRRAP):c.1445C>G (p.Ala482Gly)

Gene: TRRAP (transformation/transcription domain associated protein; plus strand). Cytogenetic location: 7q22.1.
Variant type: single nucleotide variant.
Coding change: c.1445C>G on transcript NM_001375524.1 (MANE Select); coding-DNA position 1445, C replaced by G.
Protein change: p.Ala482Gly; replaces alanine 482 with glycine.
Molecular consequence: missense variant.
Genome position (GRCh38, 1-based): chr7:98,910,150, C>G. VCF-style: chr7-98910150-C-G. GRCh37 (hg19) VCF-style: chr7-98507773-C-G.
Other names: c.1445C>G (NM_003496.3, NM_001244580.1); c.1445C>G, p.Ala482Gly (NM_001244580.2, NM_003496.4); short protein forms A482G.
Identifiers: ClinVar variation 2063715 (VCV002063715.6), dbSNP rs200161132, ClinGen allele CA4359516.

ClinVar aggregate classification (germline): Likely benign. Review status: criteria provided, multiple submitters, no conflicts (2 of 4 stars). 3 submissions from 3 submitters: Likely benign (3). Last evaluated 2026-02-22.

Conditions:
TRRAP-related disorder. Also called: TRRAP-related condition.
Inborn genetic diseases. Identifiers: MedGen C0950123, MeSH D030342.

Allele frequency attached by ClinVar (database versions not stated): TOPMed 0.00005; gnomAD 0.00013; 1000 Genomes Project 30x 0.00078; 1000 Genomes Project 0.00080.
gnomAD v4.1: 173 of 1,612,520 alleles (0.011%); highest among the groups gnomAD compares: East Asian, 0.13%; 1 homozygote.

Submissions (3):

PreventionGenetics, part of Exact Sciences
Classification: Likely benign for TRRAP-related condition. Last evaluated: 2026-02-22. Review status: criteria provided, single submitter. Criteria: ACMG Guidelines, 2015. Collection method: clinical testing. Allele origin: germline.
Comment: This variant is classified as likely benign based on ACMG/AMP sequence variant interpretation guidelines (Richards et al. 2015 PMID: 25741868, with internal and published modifications).

Labcorp Genetics (formerly Invitae), Labcorp
Classification: Likely benign. Last evaluated: 2025-11-17. Review status: criteria provided, single submitter. Criteria: Invitae Variant Classification Sherloc (09022015). Collection method: clinical testing. Allele origin: germline.

Ambry Genetics
Classification: Likely benign for Inborn genetic diseases. Last evaluated: 2024-04-08. Review status: criteria provided, single submitter. Criteria: Ambry Variant Classification Scheme 2023. Collection method: clinical testing. Allele origin: germline.